The following is an entry in ClinVar:

ClinVar aggregate classification (germline): Uncertain significance (1 of 4 stars; one submission).

Conditions:
Cardiovascular phenotype. Identifiers: MedGen CN230736.

Submission:

Ambry Genetics
Classification: Uncertain significance for Cardiovascular phenotype. Last evaluated: 2026-07-02. Review status: criteria provided, single submitter. Criteria: Ambry Variant Classification Scheme 2023. Collection method: clinical testing. Allele origin: germline.
Comment: The p.G1632V variant (also known as c.4895G>T), located in coding exon 26 of the APOB gene, results from a G to T substitution at nucleotide position 4895. The glycine at codon 1632 is replaced by valine, an amino acid with dissimilar properties. This amino acid position is conserved. In addition, this alteration is predicted to be tolerated by in silico analysis. Based on the available evidence, the clinical significance of this variant remains unclear.

NM_000384.3(APOB):c.4895G>T (p.Gly1632Val)

Gene: APOB (apolipoprotein B; minus strand). Cytogenetic location: 2p24.1.
Variant type: single nucleotide variant.
Coding change: c.4895G>T on transcript NM_000384.3 (MANE Select); coding-DNA position 4895, G replaced by T.
Protein change: p.Gly1632Val; replaces glycine 1632 with valine.
Molecular consequence: missense variant.
Genome position (GRCh38, 1-based): chr2:21,011,973, C>A on the plus strand (G>T on the coding strand, the complement: APOB is on the minus strand). VCF-style: chr2-21011973-C-A. GRCh37 (hg19) VCF-style: chr2-21234845-C-A.
Other names: short protein forms G1632V.
Identifiers: ClinVar variation 5027178 (VCV005027178.1).